The following is an entry in ClinVar:

ClinVar aggregate classification (germline): Uncertain significance (1 of 4 stars; one submission).

Conditions:
Optic atrophy 3 (OPA3). Also called: Optic atrophy, cataract, and neurologic disorder; OPTIC ATROPHY 3, AUTOSOMAL DOMINANT; Optic atrophy 3 with cataract. Identifiers: Orphanet 67036, MedGen C1833809, MONDO:0008133, OMIM 165300.
3-Methylglutaconic aciduria type 3 (MGCA3). Also called: OPA3, AUTOSOMAL RECESSIVE; OPTIC ATROPHY 3, AUTOSOMAL RECESSIVE; OPA3-Related 3-Methylglutaconic Aciduria; Costeff Syndrome. Identifiers: Orphanet 67047, MedGen C0574084, MONDO:0009787, OMIM 258501.

Submission:

Labcorp Genetics (formerly Invitae), Labcorp
Classification: Uncertain significance for 3-Methylglutaconic aciduria type 3; Optic atrophy 3. Last evaluated: 2023-07-17. Review status: criteria provided, single submitter. Criteria: Invitae Variant Classification Sherloc (09022015). Collection method: clinical testing. Allele origin: germline.
Comment: An algorithm developed to predict the effect of missense changes on protein structure and function (PolyPhen-2) suggests that this variant is likely to be tolerated. In summary, the available evidence is currently insufficient to determine the role of this variant in disease. Therefore, it has been classified as a Variant of Uncertain Significance. ClinVar contains an entry for this variant (Variation ID: 1939318). This sequence change replaces glutamine, which is neutral and polar, with glutamic acid, which is acidic and polar, at codon 157 of the OPA3 protein (p.Gln157Glu). This variant is not present in population databases (gnomAD no frequency). This variant has not been reported in the literature in individuals affected with OPA3-related conditions.

NM_025136.4(OPA3):c.469C>G (p.Gln157Glu)

Genes: OPA3 (outer mitochondrial membrane lipid metabolism regulator OPA3; minus strand), OPA3-RTN2 (OPA3-RTN2 readthrough; minus strand). Cytogenetic location: 19q13.32.
Variant type: single nucleotide variant.
Coding change: c.469C>G on transcript NM_025136.4 (MANE Select); coding-DNA position 469, C replaced by G.
Protein change: p.Gln157Glu; replaces glutamine 157 with glutamic acid.
Molecular consequence: missense variant. On other transcripts: intron variant (1).
Genome position (GRCh38, 1-based): chr19:45,553,585, G>C on the plus strand (C>G on the coding strand, the complement: OPA3 is on the minus strand). VCF-style: chr19-45553585-G-C. GRCh37 (hg19) VCF-style: chr19-46056843-G-C.
Other names: c.143-24129C>G (NM_001017989.3); short protein forms Q157E.
Identifiers: ClinVar variation 1939318 (VCV001939318.5), dbSNP rs2513823262, ClinGen allele CA406369853.